The following is an entry in ClinVar:

ClinVar aggregate classification (germline): Uncertain significance. Review status: criteria provided, multiple submitters, no conflicts (2 of 4 stars). 5 submissions from 5 submitters: Uncertain significance (5). Last evaluated 2026-03-19.

Conditions:
Cardiomyopathy (CMYO). Also called: Cardiomyopathies. Identifiers: Orphanet 167848, MedGen C0878544, MONDO:0004994, HP:0001638. Inheritance: Various modes of inheritance.
Cardiovascular phenotype. Identifiers: MedGen CN230736.
Hypertrophic cardiomyopathy 1 (CMH1). Also called: MYH7-Related Familial Hypertrophic Cardiomyopathy; Familial hypertrophic cardiomyopathy 1. Identifiers: MedGen C3495498, MONDO:0008647, OMIM 192600.
Congenital myopathy with fiber type disproportion. Also called: Congenital fiber-type disproportion myopathy; Congenital fiber-type disproportion. Identifiers: Orphanet 2020, MedGen C0546264, MONDO:0009711. Inheritance: all.
Myopathy, myosin storage, autosomal recessive (CMYO7B). Also called: CONGENITAL MYOPATHY 7B, MYOSIN STORAGE, AUTOSOMAL RECESSIVE. Identifiers: Orphanet 636970, MedGen C1850709, MONDO:0009708, OMIM 255160.
Myosin storage myopathy (CMYO7A). Also called: MYOPATHY WITH LYSIS OF TYPE I MYOFIBRILS; MYOPATHY, HYALINE BODY, AUTOSOMAL DOMINANT; SCAPULOPERONEAL MUSCULAR DYSTROPHY; SCAPULOPERONEAL SYNDROME, MYOPATHIC TYPE; MYH7-related late-onset scapuloperoneal muscular dystrophy; Congenital myopathy 7A, myosin storage, autosomal dominant. Identifiers: Orphanet 437572, Orphanet 636965, MedGen C1842160, MONDO:0008409, OMIM 608358.
Dilated cardiomyopathy 1S (CMD1S). Identifiers: Orphanet 154, Orphanet 54260, MedGen C1834481, MONDO:0013262, OMIM 613426.
MYH7-related skeletal myopathy. Also called: Myopathy, distal, 1; Laing early-onset distal myopathy; MYOPATHY, DISTAL, EARLY-ONSET, AUTOSOMAL DOMINANT; MYOPATHY, LATE DISTAL HEREDITARY; Laing distal myopathy. Identifiers: Orphanet 59135, MedGen C4552004, MONDO:0008050, OMIM 160500.
Hypertrophic cardiomyopathy. Also called: HYPERTROPHIC MYOCARDIOPATHY. Identifiers: Orphanet 217569, MedGen C0007194, MeSH D002312, MONDO:0005045, HP:0001639.

Allele frequency attached by ClinVar (database versions not stated): gnomAD exomes below 0.00001; ExAC 0.00001; TOPMed 0.00001.
gnomAD v4.1: 1 of 1,613,240 alleles (0.000062%); highest among the groups gnomAD compares: African/African-American, 0.0013%; no homozygotes.

Submissions (5):

GeneDx
Classification: Uncertain significance. Last evaluated: 2026-03-19. Review status: criteria provided, single submitter. Criteria: GeneDx Variant Classification Process June 2021. Collection method: clinical testing. Allele origin: germline.
Comment: Not observed at significant frequency in large population cohorts (gnomAD); In silico analysis supports that this missense variant has a deleterious effect on protein structure/function; Has not been previously published as pathogenic or benign to our knowledge; In silico analysis suggests this variant may impact gene splicing. In the absence of RNA/functional studies, the actual effect of this sequence change is unknown.

Labcorp Genetics (formerly Invitae), Labcorp
Classification: Uncertain significance for Hypertrophic cardiomyopathy. Last evaluated: 2025-07-30. Review status: criteria provided, single submitter. Criteria: Invitae Variant Classification Sherloc (09022015). Collection method: clinical testing. Allele origin: germline.
Comment: This sequence change replaces aspartic acid, which is acidic and polar, with tyrosine, which is neutral and polar, at codon 1077 of the MYH7 protein (p.Asp1077Tyr). This variant is present in population databases (rs759256990, gnomAD 0.007%). This variant has not been reported in the literature in individuals affected with MYH7-related conditions. ClinVar contains an entry for this variant (Variation ID: 658282). Invitae Evidence Modeling of protein sequence and biophysical properties (such as structural, functional, and spatial information, amino acid conservation, physicochemical variation, residue mobility, and thermodynamic stability) indicates that this missense variant is expected to disrupt MYH7 protein function with a positive predictive value of 95%. In summary, the available evidence is currently insufficient to determine the role of this variant in disease. Therefore, it has been classified as a Variant of Uncertain Significance.

Ambry Genetics
Classification: Uncertain significance for Cardiovascular phenotype. Last evaluated: 2024-03-05. Review status: criteria provided, single submitter. Criteria: Ambry Variant Classification Scheme 2023. Collection method: clinical testing. Allele origin: germline.
Comment: The p.D1077Y variant (also known as c.3229G>T), located in coding exon 23 of the MYH7 gene, results from a G to T substitution at nucleotide position 3229. The aspartic acid at codon 1077 is replaced by tyrosine, an amino acid with highly dissimilar properties. This amino acid position is not well conserved in available vertebrate species. In addition, the in silico prediction for this alteration is inconclusive. Based on the available evidence, the clinical significance of this alteration remains unclear.

All of Us Research Program, National Institutes of Health
Classification: Uncertain significance for Cardiomyopathy. Last evaluated: 2023-04-27. Review status: criteria provided, single submitter. Criteria: ACMG Guidelines, 2015. Collection method: clinical testing. Allele origin: germline. Inheritance: Autosomal dominant inheritance. Observed: 1 variant allele, 1 heterozygote.
Comment: This study involves interpretation of variants in research participants for the purpose of population health screening. Participant phenotype was not available at the time of variant classification. Additional details can be found in publication PMID: 35346344, PMCID: PMC8962531

Fulgent Genetics
Classification: Uncertain significance for MYH7-related skeletal myopathy; Myosin storage myopathy; Hypertrophic cardiomyopathy 1; Myopathy, myosin storage, autosomal recessive; Congenital myopathy 4A, autosomal dominant; Dilated cardiomyopathy 1S. Last evaluated: 2021-10-04. Review status: criteria provided, single submitter. Criteria: ACMG Guidelines, 2015. Collection method: clinical testing. Allele origin: unknown.

NM_000257.4(MYH7):c.3229G>T (p.Asp1077Tyr)

Gene: MYH7 (myosin heavy chain 7; minus strand). Cytogenetic location: 14q11.2.
Variant type: single nucleotide variant.
Coding change: c.3229G>T on transcript NM_000257.4 (MANE Select); coding-DNA position 3229, G replaced by T.
Protein change: p.Asp1077Tyr; replaces aspartic acid 1077 with tyrosine.
Molecular consequence: missense variant.
Genome position (GRCh38, 1-based): chr14:23,422,196, C>A on the plus strand (G>T on the coding strand, the complement: MYH7 is on the minus strand). VCF-style: chr14-23422196-C-A. GRCh37 (hg19) VCF-style: chr14-23891405-C-A.
Other names: c.3229G>T (NM_000257.2); short protein forms D1077Y.
Identifiers: ClinVar variation 658282 (VCV000658282.13), dbSNP rs759256990, ClinGen allele CA036217.
Genomic context (GRCh38, chr14:23,422,196, plus strand): 5'-ATGGGCTGGGGAGGAGGAAGGGCAGCAGGGAGGGGACACAGTACTTTTTCAGCCGCTCAT[C>A]CAGCTGCTGCTTGTCATTCTCCAGGTCCATGATGCTCTCCTGGGTCAGCTTCAGGTCGCC-3'
Protein context (NP_000248.2, residues 1067-1087): MDLENDKQQL[Asp1077Tyr]ERLKKKDFEL